The following is an entry in ClinVar:

NM_015978.3(TNNI3K):c.856G>T (p.Ala286Ser)

Genes: FPGT-TNNI3K (FPGT-TNNI3K readthrough; plus strand), TNNI3K (TNNI3 interacting kinase; plus strand). Cytogenetic location: 1p31.1.
Variant type: single nucleotide variant.
Coding change: c.856G>T on transcript NM_015978.3 (MANE Select); coding-DNA position 856, G replaced by T.
Protein change: p.Ala286Ser; replaces alanine 286 with serine.
Molecular consequence: missense variant.
Genome position (GRCh38, 1-based): chr1:74,343,103, G>T. VCF-style: chr1-74343103-G-T. GRCh37 (hg19) VCF-style: chr1-74808787-G-T.
Other names: c.1159G>T, p.Ala387Ser (NM_001112808.3, NM_001199327.2); short protein forms A286S, A387S.
Identifiers: ClinVar variation 2148344 (VCV002148344.4), dbSNP rs1660830454, ClinGen allele CA340782169.
Genomic context (GRCh38, chr1:74,343,103, plus strand): 5'-CAATATTAACAAGATATTTTCTTCAAATCTAGGGCATGCTACAATGGCAAATTTGAAGTT[G>T]CCAAGGAAATCATCCAAATATCAGGAACAGAAAGTCTGACTAAGGAAAACATCTTCAGTG-3'
Protein context (NP_057062.1, residues 276-296): LACYNGKFEV[Ala286Ser]KEIIQISGTE

ClinVar aggregate classification (germline): Uncertain significance (1 of 4 stars; one submission).

Submission:

Labcorp Genetics (formerly Invitae), Labcorp
Classification: Uncertain significance. Last evaluated: 2022-02-24. Review status: criteria provided, single submitter. Criteria: Invitae Variant Classification Sherloc (09022015). Collection method: clinical testing. Allele origin: germline.
Comment: In summary, the available evidence is currently insufficient to determine the role of this variant in disease. Therefore, it has been classified as a Variant of Uncertain Significance. This sequence change replaces alanine, which is neutral and non-polar, with serine, which is neutral and polar, at codon 286 of the TNNI3K protein (p.Ala286Ser). This variant is not present in population databases (gnomAD no frequency). This variant has not been reported in the literature in individuals affected with TNNI3K-related conditions. Algorithms developed to predict the effect of missense changes on protein structure and function are either unavailable or do not agree on the potential impact of this missense change (SIFT: "Deleterious"; PolyPhen-2: "Benign"; Align-GVGD: "Class C15").